The following is an entry in ClinVar:

ClinVar aggregate classification (germline): Likely benign. Review status: criteria provided, multiple submitters, no conflicts (2 of 4 stars). 3 submissions from 3 submitters: Likely benign (3). Last evaluated 2025-12-10.

Allele frequency attached by ClinVar (database versions not stated): 1000 Genomes Project 0.00040; 1000 Genomes Project 30x 0.00047; TOPMed 0.00096; ExAC 0.00101; gnomAD 0.00105 and 0.00108; gnomAD exomes 0.00115 and 0.00158; ESP Exome Variant Server 0.00154.
gnomAD v4.1: 2,461 of 1,614,102 alleles (0.15%); highest among the groups gnomAD compares: Non-Finnish European, 0.18%; 4 homozygotes.

Submissions (3):

Labcorp Genetics (formerly Invitae), Labcorp
Classification: Likely benign. Last evaluated: 2025-12-10. Review status: criteria provided, single submitter. Criteria: Invitae Variant Classification Sherloc (09022015). Collection method: clinical testing. Allele origin: germline.

CeGaT Center for Human Genetics Tuebingen
Classification: Likely benign. Last evaluated: 2025-05-01. Review status: criteria provided, single submitter. Criteria: CeGaT Center For Human Genetics Tuebingen Variant Classification Criteria Version 2. Collection method: clinical testing. Allele origin: germline. Affected: yes. Observed: 5 variant alleles.
Comment: DLL1: BP4, BS1

Blueprint Genetics
Classification: Likely benign. Last evaluated: 2024-11-21. Review status: criteria provided, single submitter. Criteria: ACMG Guidelines, 2015. Collection method: clinical testing. Allele origin: germline.

NM_005618.4(DLL1):c.573C>T (p.Phe191=)

Gene: DLL1 (delta like canonical Notch ligand 1; minus strand). Cytogenetic location: 6q27.
Variant type: single nucleotide variant.
Coding change: c.573C>T on transcript NM_005618.4 (MANE Select); coding-DNA position 573, C replaced by T.
Protein change: p.Phe191=; no amino-acid change (phenylalanine 191 retained).
Molecular consequence: synonymous variant.
Genome position (GRCh38, 1-based): chr6:170,288,336, G>A on the plus strand (C>T on the coding strand, the complement: DLL1 is on the minus strand). VCF-style: chr6-170288336-G-A. GRCh37 (hg19) VCF-style: chr6-170597424-G-A.
Identifiers: ClinVar variation 721276 (VCV000721276.34), dbSNP rs138404838, ClinGen allele CA4107109.